The following is an entry in ClinVar:

NM_032520.5(GNPTG):c.617_638dup (p.Phe213fs)

Gene: GNPTG (N-acetylglucosamine-1-phosphate transferase subunit gamma; plus strand). Cytogenetic location: 16p13.3.
Variant type: Duplication.
Coding change: c.617_638dup on transcript NM_032520.5 (MANE Select); coding-DNA positions 617 to 638, 22 bases duplicated (AGAAGTTGCTGAGGACACTTTT).
Protein change: p.Phe213fs; shifts the reading frame from phenylalanine 213.
Molecular consequence: frameshift variant.
Genome position (GRCh38, 1-based): chr16:1,362,618-1,362,639, AGAAGTTGCTGAGGACACTTTT duplicated. VCF-style (leftmost placement, unchanged base first): chr16-1362617-G-GAGAAGTTGCTGAGGACACTTTT. GRCh37 (hg19) VCF-style: chr16-1412618-G-GAGAAGTTGCTGAGGACACTTTT.
Other names: c.617_638dup (NM_032520.4); short protein forms F213fs.
Identifiers: ClinVar variation 3578454 (VCV003578454.2).

ClinVar aggregate classification (germline): Likely pathogenic. Review status: criteria provided, multiple submitters, no conflicts (2 of 4 stars). 2 submissions from 2 submitters: Likely pathogenic (2). Last evaluated 2026-01-29.

Conditions:
GNPTG-mucolipidosis. Also called: ML III GAMMA; ML IIIC; Mucolipidosis type III gamma; MUCOLIPIDOSIS III, COMPLEMENTATION GROUP C; MUCOLIPIDOSIS III, IRANIAN VARIANT FORM; MUCOLIPIDOSIS III, VARIANT FORM. Identifiers: Orphanet 423470, Orphanet 577, MedGen C1854896, MONDO:0009652, OMIM 252605.

Submissions (2):

Natera, Inc.
Classification: Likely pathogenic for Mucolipidosis III gamma. Last evaluated: 2026-01-29. Review status: criteria provided, single submitter. Criteria: Natera Variant Classification Schema (03/2026). Collection method: clinical testing. Allele origin: germline.
Comment: The c.617_638dup variant in GNPTG is a frameshift variant predicted to shift the reading frame beginning at codon 213 and leads to a stop codon 9 codons downstream. This variant is expected to result in nonsense mediated decay, truncation, or a dysfunctional protein product. This variant is rare in the general population with a frequency below the threshold expected for the associated phenotype(s). Given the available evidence, this variant is classified as Likely Pathogenic.

Fulgent Genetics
Classification: Likely pathogenic for GNPTG-mucolipidosis. Last evaluated: 2024-03-14. Review status: criteria provided, single submitter. Criteria: ACMG Guidelines, 2015. Collection method: clinical testing. Allele origin: germline.